The following is an entry in ClinVar:

ClinVar aggregate classification (germline): Uncertain significance. Review status: criteria provided, multiple submitters, no conflicts (2 of 4 stars). 2 submissions from 2 submitters: Uncertain significance (2). Last evaluated 2024-11-01.

Conditions:
Hereditary cancer-predisposing syndrome. Also called: Hereditary neoplastic syndrome; Hereditary Cancer Syndrome; Neoplastic Syndromes, Hereditary; Tumor predisposition. Identifiers: Orphanet 140162, MedGen C0027672, MeSH D009386, MONDO:0015356.
Hereditary breast ovarian cancer syndrome. Also called: Hereditary breast and ovarian cancer syndrome; BRCA1- and BRCA2-Associated Hereditary Breast and Ovarian Cancer; Breast and ovarian cancer; Hereditary breast and/or ovarian cancer syndrome; Hereditary breast and ovarian cancer syndrome (HBOC); Hereditary breast and ovarian cancer. Identifiers: Orphanet 145, MedGen C0677776, MeSH D061325, MONDO:0003582. Disease mechanism: loss of function.

Submissions (2):

Ambry Genetics
Classification: Uncertain significance for Hereditary cancer-predisposing syndrome. Last evaluated: 2024-11-01. Review status: criteria provided, single submitter. Criteria: Ambry Variant Classification Scheme 2023. Collection method: clinical testing. Allele origin: germline.
Comment: The p.V2620I variant (also known as c.7858G>A), located in coding exon 16 of the BRCA2 gene, results from a G to A substitution at nucleotide position 7858. The valine at codon 2620 is replaced by isoleucine, an amino acid with highly similar properties. (Lee E et al. Breast Cancer Res, 2008 Feb;10:R19). This amino acid position is well conserved in available vertebrate species. In addition, the in silico prediction for this alteration is inconclusive. Based on the available evidence, the clinical significance of this variant remains unclear.

Labcorp Genetics (formerly Invitae), Labcorp
Classification: Uncertain significance for Hereditary breast ovarian cancer syndrome. Last evaluated: 2022-01-26. Review status: criteria provided, single submitter. Criteria: Invitae Variant Classification Sherloc (09022015). Collection method: clinical testing. Allele origin: germline.
Comment: This sequence change replaces valine, which is neutral and non-polar, with isoleucine, which is neutral and non-polar, at codon 2620 of the BRCA2 protein (p.Val2620Ile). This variant is not present in population databases (gnomAD no frequency). This variant has not been reported in the literature in individuals affected with BRCA2-related conditions. Advanced modeling of protein sequence and biophysical properties (such as structural, functional, and spatial information, amino acid conservation, physicochemical variation, residue mobility, and thermodynamic stability) performed at Invitae indicates that this missense variant is expected to disrupt BRCA2 protein function. In summary, the available evidence is currently insufficient to determine the role of this variant in disease. Therefore, it has been classified as a Variant of Uncertain Significance.

Literature cited by the submitters: PubMed 18284688 (cited by Ambry Genetics).

NM_000059.4(BRCA2):c.7858G>A (p.Val2620Ile)

Gene: BRCA2 (BRCA2 DNA repair associated; plus strand). Cytogenetic location: 13q13.1.
Variant type: single nucleotide variant.
Coding change: c.7858G>A on transcript NM_000059.4 (MANE Select); coding-DNA position 7858, G replaced by A.
Protein change: p.Val2620Ile; replaces valine 2620 with isoleucine.
Molecular consequence: missense variant.
Genome position (GRCh38, 1-based): chr13:32,362,575, G>A. VCF-style: chr13-32362575-G-A. GRCh37 (hg19) VCF-style: chr13-32936712-G-A.
Other names: c.7858G>A (NM_000059.3); short protein forms V2620I.
Identifiers: ClinVar variation 1403750 (VCV001403750.7), dbSNP rs2137576858, ClinGen allele CA387747062.